The following is an entry in ClinVar:

ClinVar aggregate classification (germline): Pathogenic/Likely pathogenic. Review status: criteria provided, multiple submitters, no conflicts (2 of 4 stars). 2 submissions from 2 submitters: Pathogenic (1); Likely pathogenic (1). Last evaluated 2023-06-29.

Conditions:
TTC37-related disorders.

gnomAD v4.1: 2 of 1,613,938 alleles (0.00012%); highest among the groups gnomAD compares: Non-Finnish European, 0.000085%; no homozygotes.

Submissions (2):

Labcorp Genetics (formerly Invitae), Labcorp
Classification: Pathogenic. Last evaluated: 2023-06-29. Review status: criteria provided, single submitter. Criteria: Invitae Variant Classification Sherloc (09022015). Collection method: clinical testing. Allele origin: germline.
Comment: For these reasons, this variant has been classified as Pathogenic. Algorithms developed to predict the effect of sequence changes on RNA splicing suggest that this variant may disrupt the consensus splice site. This variant has not been reported in the literature in individuals affected with TTC37-related conditions. This variant is not present in population databases (gnomAD no frequency). This sequence change creates a premature translational stop signal (p.Ser1083*) in the TTC37 gene. It is expected to result in an absent or disrupted protein product. Loss-of-function variants in TTC37 are known to be pathogenic (PMID: 20176027, 21120949).

Blueprint Genetics
Classification: Likely pathogenic for TTC37-related disorders. Last evaluated: 2018-12-31. Review status: criteria provided, single submitter. Criteria: ACMG Guidelines, 2015. Collection method: clinical testing. Allele origin: germline. Affected: yes. Observed: 1 variant allele.

Literature cited by the submitters: PubMed 20176027 (cited by Labcorp Genetics (formerly Invitae), Labcorp); PubMed 21120949 (cited by Labcorp Genetics (formerly Invitae), Labcorp).

NM_014639.4(SKIC3):c.3248C>A (p.Ser1083Ter)

Gene: SKIC3 (SKI3 subunit of superkiller complex; minus strand). Cytogenetic location: 5q15.
Variant type: single nucleotide variant.
Coding change: c.3248C>A on transcript NM_014639.4 (MANE Select); coding-DNA position 3248, C replaced by A.
Protein change: p.Ser1083Ter; replaces serine 1083 with a stop codon.
Molecular consequence: nonsense.
Genome position (GRCh38, 1-based): chr5:95,502,973, G>T on the plus strand (C>A on the coding strand, the complement: SKIC3 is on the minus strand). VCF-style: chr5-95502973-G-T. GRCh37 (hg19) VCF-style: chr5-94838677-G-T.
Other names: short protein forms S1083*.
Identifiers: ClinVar variation 2732480 (VCV002732480.4), dbSNP rs540722823, ClinGen allele CA360452203.